The following is an entry in ClinVar:

ClinVar aggregate classification (germline): Uncertain significance (1 of 4 stars; one submission).

Submission:

CeGaT Center for Human Genetics Tuebingen
Classification: Uncertain significance. Last evaluated: 2026-09-01. Review status: criteria provided, single submitter. Criteria: CeGaT Center For Human Genetics Tuebingen Variant Classification Criteria Version 2. Collection method: clinical testing. Allele origin: germline. Affected: yes. Observed: 1 variant allele.
Comment: AKT2: PM2, PP2

NM_001626.6(AKT2):c.457G>A (p.Asp153Asn)

Gene: AKT2 (AKT serine/threonine kinase 2; minus strand). Cytogenetic location: 19q13.2.
Variant type: single nucleotide variant.
Coding change: c.457G>A on transcript NM_001626.6 (MANE Select); coding-DNA position 457, G replaced by A.
Protein change: p.Asp153Asn; replaces aspartic acid 153 with asparagine.
Molecular consequence: missense variant.
Genome position (GRCh38, 1-based): chr19:40,242,054, C>T on the plus strand (G>A on the coding strand, the complement: AKT2 is on the minus strand). VCF-style: chr19-40242054-C-T. GRCh37 (hg19) VCF-style: chr19-40747961-C-T.
Other names: c.271G>A, p.Asp91Asn (NM_001243027.3, NM_001243028.3); c.457G>A, p.Asp153Asn (NM_001330511.1); short protein forms D153N, D91N.
Identifiers: ClinVar variation 5041055 (VCV005041055.1).
Genomic context (GRCh38, chr19:40,242,054, plus strand): 5'-CCTTCTCCCGCACCAGGATGACTTTGCCAAAGGTTCCCTTGCCAAGGAGTTTGAGATAGT[C>T]GAAGTCATTCATGGTCTGCCAGGGACAGGGAGAGTGGGGGCAGTCAGCGCCTGGCTCATG-3'
Protein context (NP_001617.1, residues 143-163): ARAKVTMNDF[Asp153Asn]YLKLLGKGTF